The following is an entry in ClinVar:

ClinVar aggregate classification (germline): Uncertain significance (1 of 4 stars; one submission).

Allele frequency attached by ClinVar (database versions not stated): gnomAD exomes below 0.00001; gnomAD 0.00001; TOPMed 0.00002.
gnomAD v4.1: 5 of 1,597,264 alleles (0.00031%); highest among the groups gnomAD compares: Admixed American, 0.0051%; no homozygotes.

Submission:

Labcorp Genetics (formerly Invitae), Labcorp
Classification: Uncertain significance. Last evaluated: 2023-09-13. Review status: criteria provided, single submitter. Criteria: Invitae Variant Classification Sherloc (09022015). Collection method: clinical testing. Allele origin: germline.
Comment: Variants that disrupt the consensus splice site are a relatively common cause of aberrant splicing (PMID: 17576681, 9536098). Algorithms developed to predict the effect of sequence changes on RNA splicing suggest that this variant is not likely to affect RNA splicing. In summary, the available evidence is currently insufficient to determine the role of this variant in disease. Therefore, it has been classified as a Variant of Uncertain Significance. ClinVar contains an entry for this variant (Variation ID: 2130756). This variant has not been reported in the literature in individuals affected with C17orf62-related conditions. This variant is present in population databases (no rsID available, gnomAD 0.004%). This sequence change falls in intron 5 of the C17orf62 gene. It does not directly change the encoded amino acid sequence of the C17orf62 protein. It affects a nucleotide within the consensus splice site.

Literature cited by the submitters: PubMed 17576681; PubMed 9536098.

NM_001033046.4(CYBC1):c.299-3C>T

Gene: CYBC1 (cytochrome b-245 chaperone 1; minus strand). Cytogenetic location: 17q25.3.
Variant type: single nucleotide variant.
Coding change: c.299-3C>T on transcript NM_001033046.4 (MANE Select); 3 bases into the intron before coding-DNA position 299, C replaced by T.
Molecular consequence: intron variant.
Genome position (GRCh38, 1-based): chr17:82,444,594, G>A on the plus strand (C>T on the coding strand, the complement: CYBC1 is on the minus strand). VCF-style: chr17-82444594-G-A. GRCh37 (hg19) VCF-style: chr17-80402470-G-A.
Other names: c.257-3C>T (NM_001100408.3); c.299-3C>T (NM_001100407.3, NM_001193657.2, NM_001193654.2 and 2 more transcripts).
Identifiers: ClinVar variation 2130756 (VCV002130756.3), dbSNP rs1476106666, ClinGen allele CA628028641.
Genomic context (GRCh38, chr17:82,444,594, plus strand): 5'-TACCGGACCTTCTCCTCCTCCACGCTCACATCACGGACATCATGGAGCAGGACCACCACT[G>A]CGGGGAGACGGTCAGTGGCCGAGCCATCCCCGCCCACACATGCTGCCCGGCAGTCGCACC-3'